The following is an entry in ClinVar:

NM_003265.3(TLR3):c.1526C>G (p.Thr509Ser)

Gene: TLR3 (toll like receptor 3; plus strand). Cytogenetic location: 4q35.1.
Variant type: single nucleotide variant.
Coding change: c.1526C>G on transcript NM_003265.3 (MANE Select); coding-DNA position 1526, C replaced by G.
Protein change: p.Thr509Ser; replaces threonine 509 with serine.
Molecular consequence: missense variant.
Genome position (GRCh38, 1-based): chr4:186,083,212, C>G. VCF-style: chr4-186083212-C-G. GRCh37 (hg19) VCF-style: chr4-187004366-C-G.
Other names: short protein forms T509S.
Identifiers: ClinVar variation 4718125 (VCV004718125.1).

ClinVar aggregate classification (germline): Uncertain significance (1 of 4 stars; one submission).

Conditions:
Encephalopathy, acute, infection-induced (herpes-specific), susceptibility to, 1. Also called: Herpes simplex encephalitis, susceptibility to, 1. Identifiers: Orphanet 1930, MedGen C2750180, MONDO:0024563, OMIM 610551.

gnomAD v4.1: 1 of 1,614,100 alleles (0.000062%); highest among the groups gnomAD compares: Non-Finnish European, 0.000085%; no homozygotes.

Submission:

Labcorp Genetics (formerly Invitae), Labcorp
Classification: Uncertain significance for Encephalopathy, acute, infection-induced (herpes-specific), susceptibility to, 1. Last evaluated: 2025-08-20. Review status: criteria provided, single submitter. Criteria: Invitae Variant Classification Sherloc (09022015). Collection method: clinical testing. Allele origin: germline.
Comment: This sequence change replaces threonine, which is neutral and polar, with serine, which is neutral and polar, at codon 509 of the TLR3 protein (p.Thr509Ser). This variant is present in population databases (rs767914092, gnomAD 0.0009%). This variant has not been reported in the literature in individuals affected with TLR3-related conditions. An algorithm developed to predict the effect of missense changes on protein structure and function (PolyPhen-2) suggests that this variant is likely to be tolerated. In summary, the available evidence is currently insufficient to determine the role of this variant in disease. Therefore, it has been classified as a Variant of Uncertain Significance.